The following is an entry in ClinVar:

ClinVar aggregate classification (germline): Pathogenic (1 of 4 stars; one submission).

Conditions:
Cohen syndrome (COH1). Also called: PEPPER SYNDROME; Cutis verticis gyrata, retinitis pigmentosa, and sensorineural deafness. Identifiers: Orphanet 193, MedGen C0265223, MONDO:0008999, OMIM 216550.

Submission:

Labcorp Genetics (formerly Invitae), Labcorp
Classification: Pathogenic for Cohen syndrome. Last evaluated: 2025-01-02. Review status: criteria provided, single submitter. Criteria: Invitae Variant Classification Sherloc (09022015). Collection method: clinical testing. Allele origin: germline.
Comment: This sequence change creates a premature translational stop signal (p.Ala2578*) in the VPS13B gene. It is expected to result in an absent or disrupted protein product. Loss-of-function variants in VPS13B are known to be pathogenic (PMID: 15141358, 16648375, 20461111). This variant is not present in population databases (gnomAD no frequency). This variant has not been reported in the literature in individuals affected with VPS13B-related conditions. For these reasons, this variant has been classified as Pathogenic.

Literature cited by the submitters: PubMed 15141358; PubMed 16648375; PubMed 20461111.

NM_152564.5(VPS13B):c.7657_7672del (p.Met2552_Ala2553insTer)

Gene: VPS13B (vacuolar protein sorting 13 homolog B; plus strand). Cytogenetic location: 8q22.2.
Variant type: Deletion.
Coding change: c.7657_7672del on transcript NM_152564.5 (MANE Select); coding-DNA positions 7657 to 7672, 16 bases deleted (GCAGTTTCCAGCGATG).
Protein change: p.Met2552_Ala2553insTer.
Molecular consequence: nonsense.
Genome position (GRCh38, 1-based): chr8:99,778,909-99,778,924, GCAGTTTCCAGCGATG deleted; deleting any 16 consecutive bases within chr8:99,778,905-99,778,924 gives the same sequence; the c. name uses the placement nearest the transcript's 3' end. VCF-style (leftmost placement, unchanged base first): chr8-99778904-AGATGGCAGTTTCCAGC-A. GRCh37 (hg19) VCF-style: chr8-100791132-AGATGGCAGTTTCCAGC-A.
Other names: c.7732_7747del, p.Met2577_Ala2578insTer (NM_017890.5).
Identifiers: ClinVar variation 3643017 (VCV003643017.2).